The following is an entry in ClinVar:

ClinVar aggregate classification (germline): Uncertain significance (1 of 4 stars; one submission).

Conditions:
Frontotemporal dementia and/or amyotrophic lateral sclerosis 1 (FTDALS1). Also called: Frontotemporal dementia with motor neuron disease 1; C9orf72 Frontotemporal Dementia and/or Amyotrophic Lateral Sclerosis. Identifiers: Orphanet 275872, MedGen C5779877, MONDO:0007105, OMIM 105550.
Paget disease of bone 2, early-onset (PDB2). Also called: Paget disease of bone 2. Identifiers: MedGen C4085251, MONDO:0011183, OMIM 602080.

Submission:

Labcorp Genetics (formerly Invitae), Labcorp
Classification: Uncertain significance for Paget disease of bone 2, early-onset; Frontotemporal dementia and/or amyotrophic lateral sclerosis 1. Last evaluated: 2024-04-08. Review status: criteria provided, single submitter. Criteria: Invitae Variant Classification Sherloc (09022015). Collection method: clinical testing. Allele origin: germline.
Comment: This sequence change replaces methionine, which is neutral and non-polar, with threonine, which is neutral and polar, at codon 401 of the SQSTM1 protein (p.Met401Thr). This variant is not present in population databases (gnomAD no frequency). This variant has not been reported in the literature in individuals affected with SQSTM1-related conditions. Advanced modeling of protein sequence and biophysical properties (such as structural, functional, and spatial information, amino acid conservation, physicochemical variation, residue mobility, and thermodynamic stability) performed at Invitae indicates that this missense variant is expected to disrupt SQSTM1 protein function with a positive predictive value of 80%. In summary, the available evidence is currently insufficient to determine the role of this variant in disease. Therefore, it has been classified as a Variant of Uncertain Significance.

NM_003900.5(SQSTM1):c.1202T>C (p.Met401Thr)

Gene: SQSTM1 (sequestosome 1; plus strand). Cytogenetic location: 5q35.3.
Variant type: single nucleotide variant.
Coding change: c.1202T>C on transcript NM_003900.5 (MANE Select); coding-DNA position 1202, T replaced by C.
Protein change: p.Met401Thr; replaces methionine 401 with threonine.
Molecular consequence: missense variant.
Genome position (GRCh38, 1-based): chr5:179,836,472, T>C. VCF-style: chr5-179836472-T-C. GRCh37 (hg19) VCF-style: chr5-179263472-T-C.
Other names: c.950T>C, p.Met317Thr (NM_001142298.2, NM_001142299.2); short protein forms M317T, M401T.
Identifiers: ClinVar variation 3755759 (VCV003755759.2).